The following is an entry in ClinVar:

NM_001372.4(DNAH9):c.1970dup (p.Tyr658fs)

Gene: DNAH9 (dynein axonemal heavy chain 9; plus strand). Cytogenetic location: 17p12.
Variant type: Duplication.
Coding change: c.1970dup on transcript NM_001372.4 (MANE Select); coding-DNA position 1970, one base duplicated (A; older notation c.1970dupA).
Protein change: p.Tyr658fs; shifts the reading frame from tyrosine 658.
Molecular consequence: frameshift variant.
Genome position (GRCh38, 1-based): chr17:11,644,699, A duplicated; the last of 4 consecutive A bases (chr17:11,644,696-11,644,699); duplicating any one gives the same sequence. VCF-style (leftmost placement, unchanged base first): chr17-11644695-G-GA. GRCh37 (hg19) VCF-style: chr17-11548012-G-GA.
Other names: short protein forms Y658fs.
Identifiers: ClinVar variation 3647955 (VCV003647955.2).

ClinVar aggregate classification (germline): Pathogenic (1 of 4 stars; one submission).

Submission:

Labcorp Genetics (formerly Invitae), Labcorp
Classification: Pathogenic. Last evaluated: 2024-03-28. Review status: criteria provided, single submitter. Criteria: Invitae Variant Classification Sherloc (09022015). Collection method: clinical testing. Allele origin: germline.
Comment: This sequence change creates a premature translational stop signal (p.Tyr658Valfs*2) in the DNAH9 gene. It is expected to result in an absent or disrupted protein product. Loss-of-function variants in DNAH9 are known to be pathogenic (PMID: 30471718). This variant is not present in population databases (gnomAD no frequency). This variant has not been reported in the literature in individuals affected with DNAH9-related conditions. For these reasons, this variant has been classified as Pathogenic.

Literature cited by the submitters: PubMed 30471718.